The following is an entry in ClinVar:

ClinVar aggregate classification (germline): Uncertain significance (1 of 4 stars; one submission).

Allele frequency attached by ClinVar (database versions not stated): gnomAD 0.00001.

Submission:

Labcorp Genetics (formerly Invitae), Labcorp
Classification: Uncertain significance. Last evaluated: 2023-07-06. Review status: criteria provided, single submitter. Criteria: Invitae Variant Classification Sherloc (09022015). Collection method: clinical testing. Allele origin: germline.
Comment: This variant has not been reported in the literature in individuals affected with CDK13-related conditions. This sequence change replaces proline, which is neutral and non-polar, with glutamine, which is neutral and polar, at codon 126 of the CDK13 protein (p.Pro126Gln). This variant is present in population databases (no rsID available, gnomAD 0.01%). Advanced modeling of protein sequence and biophysical properties (such as structural, functional, and spatial information, amino acid conservation, physicochemical variation, residue mobility, and thermodynamic stability) has been performed at Invitae for this missense variant, however the output from this modeling did not meet the statistical confidence thresholds required to predict the impact of this variant on CDK13 protein function. In summary, the available evidence is currently insufficient to determine the role of this variant in disease. Therefore, it has been classified as a Variant of Uncertain Significance.

NM_003718.5(CDK13):c.377C>A (p.Pro126Gln)

Genes: CDK13 (cyclin dependent kinase 13; plus strand), LOC129998292 (ATAC-STARR-seq lymphoblastoid silent region 18115; plus strand). Cytogenetic location: 7p14.1.
Variant type: single nucleotide variant.
Coding change: c.377C>A on transcript NM_003718.5 (MANE Select); coding-DNA position 377, C replaced by A.
Protein change: p.Pro126Gln; replaces proline 126 with glutamine.
Molecular consequence: missense variant.
Genome position (GRCh38, 1-based): chr7:39,951,018, C>A. VCF-style: chr7-39951018-C-A. GRCh37 (hg19) VCF-style: chr7-39990617-C-A.
Other names: c.377C>A, p.Pro126Gln (NM_031267.4); short protein forms P126Q.
Identifiers: ClinVar variation 2782448 (VCV002782448.3), dbSNP rs1477767717, ClinGen allele CA367309542.
Genomic context (GRCh38, chr7:39,951,018, plus strand): 5'-GTCGCGGGCCCCGCGCCGGGCAGGAGGCGGAGAAGCGTCGGGTCTTCTCGCTGCCCCAGC[C>A]GCAGCAGGACGGCGGTGGCGGTGCTAGTAGCGGCGGGGGTGTGACCCCGCTGGTGGAATA-3'
Protein context (NP_003709.3, residues 116-136): EKRRVFSLPQ[Pro126Gln]QQDGGGGASS